The following is an entry in ClinVar:

NM_002439.5(MSH3):c.520C>A (p.Leu174Ile)

Gene: MSH3 (mutS homolog 3; plus strand). Cytogenetic location: 5q14.1.
Variant type: single nucleotide variant.
Coding change: c.520C>A on transcript NM_002439.5 (MANE Select); coding-DNA position 520, C replaced by A.
Protein change: p.Leu174Ile; replaces leucine 174 with isoleucine.
Molecular consequence: missense variant.
Genome position (GRCh38, 1-based): chr5:80,665,304, C>A. VCF-style: chr5-80665304-C-A. GRCh37 (hg19) VCF-style: chr5-79961123-C-A.
Other names: short protein forms L174I.
Identifiers: ClinVar variation 1746086 (VCV001746086.2), dbSNP rs1276965330, ClinGen allele CA360264151.
Genomic context (GRCh38, chr5:80,665,304, plus strand): 5'-GAATCTCTGCAGGAGAGATTTGCAGTTCTGCCAAAATGTACTGATTTTGATGATATCAGT[C>A]TTCTACACGCAAAGAATGCAGTTTCTTCTGAAGATTCGAAACGTCAAATTAATCAAAAGG-3'
Protein context (NP_002430.3, residues 164-184): PKCTDFDDIS[Leu174Ile]LHAKNAVSSE

ClinVar aggregate classification (germline): Uncertain significance (1 of 4 stars; one submission).

Conditions:
Hereditary cancer-predisposing syndrome. Also called: Hereditary Cancer Syndrome; Neoplastic Syndromes, Hereditary; Tumor predisposition; Hereditary neoplastic syndrome. Identifiers: Orphanet 140162, MedGen C0027672, MeSH D009386, MONDO:0015356.

Submission:

Ambry Genetics
Classification: Uncertain significance for Hereditary cancer-predisposing syndrome. Last evaluated: 2021-12-10. Review status: criteria provided, single submitter. Criteria: Ambry Variant Classification Scheme 2023. Collection method: clinical testing. Allele origin: germline.
Comment: The p.L174I variant (also known as c.520C>A), located in coding exon 3 of the MSH3 gene, results from a C to A substitution at nucleotide position 520. The leucine at codon 174 is replaced by isoleucine, an amino acid with highly similar properties. This amino acid position is conserved. In addition, this alteration is predicted to be tolerated by in silico analysis. Since supporting evidence is limited at this time, the clinical significance of this alteration remains unclear.